The following is an entry in ClinVar:

ClinVar aggregate classification (germline): Uncertain significance (1 of 4 stars; one submission).

Submission:

Ambry Genetics
Classification: Uncertain significance. Last evaluated: 2023-04-23. Review status: criteria provided, single submitter. Criteria: Ambry Variant Classification Scheme 2023. Collection method: clinical testing. Allele origin: germline.
Comment: The p.L366P variant (also known as c.1097T>C), located in coding exon 12 of the NPAT gene, results from a T to C substitution at nucleotide position 1097. The leucine at codon 366 is replaced by proline, an amino acid with similar properties. This amino acid position is conserved. In addition, this alteration is predicted to be tolerated by in silico analysis. Since supporting evidence is limited at this time, the clinical significance of this alteration remains unclear.

NM_002519.3(NPAT):c.1097T>C (p.Leu366Pro)

Gene: NPAT (nuclear protein, coactivator of histone transcription; minus strand). Cytogenetic location: 11q22.3.
Variant type: single nucleotide variant.
Coding change: c.1097T>C on transcript NM_002519.3 (MANE Select); coding-DNA position 1097, T replaced by C.
Protein change: p.Leu366Pro; replaces leucine 366 with proline.
Molecular consequence: missense variant.
Genome position (GRCh38, 1-based): chr11:108,176,281, A>G on the plus strand (T>C on the coding strand, the complement: NPAT is on the minus strand). VCF-style: chr11-108176281-A-G. GRCh37 (hg19) VCF-style: chr11-108047008-A-G.
Other names: c.1097T>C, p.Leu366Pro (NM_001321307.1); short protein forms L366P.
Identifiers: ClinVar variation 2567982 (VCV002567982.2), dbSNP rs2496725670, ClinGen allele CA382516727.